The following is an entry in ClinVar:

NC_000002.11:g.(?_220011382)_(220011480_?)del

Gene: NHEJ1 (non-homologous end joining factor 1; minus strand). Cytogenetic location: 2q35.
Variant type: Deletion.
Identifiers: ClinVar variation 3247343 (VCV003247343.1).

ClinVar aggregate classification (germline): Pathogenic (1 of 4 stars; one submission).

Conditions:
Cernunnos-XLF deficiency (IMD124). Also called: Severe combined immunodeficiency with sensitivity to ionizing radiation due to NHEJ1 deficiency; SCID, autosomal recessive, T cell-negative, B cell-negative, NK cell-positive, and sensitivity to ionizing radiation due to NHEJ1 deficiency; IMMUNODEFICIENCY 124, SEVERE COMBINED; SCID, AUTOSOMAL RECESSIVE, T CELL-NEGATIVE, B CELL-NEGATIVE, NK CELL-POSITIVE, WITH MICROCEPHALY, GROWTH RETARDATION, AND SENSITIVITY TO IONIZING RADIATION; NHEJ1 SYNDROME. Identifiers: Orphanet 169079, MedGen C1969799, MONDO:0012650, OMIM 611291.

Submission:

Labcorp Genetics (formerly Invitae), Labcorp
Classification: Pathogenic for Cernunnos-XLF deficiency. Last evaluated: 2023-02-18. Review status: criteria provided, single submitter. Criteria: Invitae Variant Classification Sherloc (09022015). Collection method: clinical testing. Allele origin: unknown.
Comment: This variant is a gross deletion of the genomic region encompassing exon(s) 5 of the NHEJ1 gene. This deletion is out-of-frame, and is expected to create a premature termination codon and result in an absent or disrupted protein product. Loss-of-function variants in NHEJ1 are known to be pathogenic (PMID: 16439204, 20597108). This variant has not been reported in the literature in individuals affected with NHEJ1-related conditions. For these reasons, this variant has been classified as Pathogenic.

Literature cited by the submitters: PubMed 16439204; PubMed 20597108.